The following is an entry in ClinVar:

NM_031844.3(HNRNPU):c.8C>G (p.Ser3Cys)

Gene: HNRNPU (heterogeneous nuclear ribonucleoprotein U; minus strand). Cytogenetic location: 1q44.
Variant type: single nucleotide variant.
Coding change: c.8C>G on transcript NM_031844.3 (MANE Select); coding-DNA position 8, C replaced by G.
Protein change: p.Ser3Cys; replaces serine 3 with cysteine.
Molecular consequence: missense variant.
Genome position (GRCh38, 1-based): chr1:244,864,300, G>C on the plus strand (C>G on the coding strand, the complement: HNRNPU is on the minus strand). VCF-style: chr1-244864300-G-C. GRCh37 (hg19) VCF-style: chr1-245027602-G-C.
Other names: c.8C>G, p.Ser3Cys (NM_004501.3); short protein forms S3C.
Identifiers: ClinVar variation 2700502 (VCV002700502.3), dbSNP rs771628842, ClinGen allele CA1486879.
Genomic context (GRCh38, chr1:244,864,300, plus strand): 5'-CGCTTCTTGAGCTCCTCTTTCAGCTCCGACACCTTCAGCTTTTTTACATTAACAGGCGAG[G>C]AACTCATGGTGAGGGCCCCGATTCACCGCTAGGCGCTGCCTCAAACTCGGCTCCGCTCAC-3'
Protein context (NP_114032.2, residues 1-13): MS[Ser3Cys]SPVNVKKLKV

ClinVar aggregate classification (germline): Uncertain significance (1 of 4 stars; one submission).

Conditions:
Developmental and epileptic encephalopathy, 54. Also called: HNRNPU-Related Neurodevelopmental Disorder; Epileptic encephalopathy, early infantile, 54. Identifiers: MedGen C4479319, MONDO:0033363, OMIM 617391.

Allele frequency attached by ClinVar (database versions not stated): ExAC 0.00001.
gnomAD v4.1: 5 of 1,612,778 alleles (0.00031%); highest among the groups gnomAD compares: South Asian, 0.0011%; no homozygotes.

Submission:

Labcorp Genetics (formerly Invitae), Labcorp
Classification: Uncertain significance for Developmental and epileptic encephalopathy, 54. Last evaluated: 2023-12-13. Review status: criteria provided, single submitter. Criteria: Invitae Variant Classification Sherloc (09022015). Collection method: clinical testing. Allele origin: germline.
Comment: This sequence change replaces serine, which is neutral and polar, with cysteine, which is neutral and slightly polar, at codon 3 of the HNRNPU protein (p.Ser3Cys). This variant is present in population databases (rs771628842, gnomAD 0.003%). This variant has not been reported in the literature in individuals affected with HNRNPU-related conditions. An algorithm developed to predict the effect of missense changes on protein structure and function (PolyPhen-2) suggests that this variant is likely to be tolerated. In summary, the available evidence is currently insufficient to determine the role of this variant in disease. Therefore, it has been classified as a Variant of Uncertain Significance.